The following is an entry in ClinVar:

NM_000487.6(ARSA):c.498G>A (p.Pro166=)

Gene: ARSA (arylsulfatase A; minus strand). Cytogenetic location: 22q13.33.
Variant type: single nucleotide variant.
Coding change: c.498G>A on transcript NM_000487.6 (MANE Select); coding-DNA position 498, G replaced by A.
Protein change: p.Pro166=; no amino-acid change (proline 166 retained).
Molecular consequence: synonymous variant.
Genome position (GRCh38, 1-based): chr22:50,627,020, C>T on the plus strand (G>A on the coding strand, the complement: ARSA is on the minus strand). VCF-style: chr22-50627020-C-T. GRCh37 (hg19) VCF-style: chr22-51065448-C-T.
Other names: c.498G>A, p.Pro166= (NM_001085425.3, NM_001085426.3, NM_001085427.3); c.240G>A, p.Pro80= (NM_001085428.3, NM_001362782.2).
Identifiers: ClinVar variation 2158006 (VCV002158006.2), dbSNP rs545521822, ClinGen allele CA10324994.

ClinVar aggregate classification (germline): Uncertain significance. Review status: criteria provided, multiple submitters, no conflicts (2 of 4 stars). 2 submissions from 2 submitters: Uncertain significance (2). Last evaluated 2022-04-04.

Conditions:
Metachromatic leukodystrophy (MLD). Also called: SULFATIDE LIPIDOSIS; METACHROMATIC LEUKOENCEPHALOPATHY; ARSA DEFICIENCY; CEREBROSIDE SULFATASE DEFICIENCY; Arylsulfatase A Deficiency; Cerebral sclerosis diffuse metachromatic form. Identifiers: Orphanet 512, MedGen C0023522, MONDO:0018868, OMIM 250100.

Allele frequency attached by ClinVar (database versions not stated): gnomAD 0.00001; gnomAD exomes 0.00001; 1000 Genomes Project 0.00020; 1000 Genomes Project 30x 0.00031.
gnomAD v4.1: 21 of 1,609,654 alleles (0.0013%); highest among the groups gnomAD compares: South Asian, 0.013%; no homozygotes.

Submissions (2):

Blueprint Genetics
Classification: Uncertain significance. Last evaluated: 2022-04-04. Review status: criteria provided, single submitter. Criteria: ACMG Guidelines, 2015. Collection method: clinical testing. Allele origin: germline.

Labcorp Genetics (formerly Invitae), Labcorp
Classification: Uncertain significance for Metachromatic leukodystrophy. Last evaluated: 2021-08-31. Review status: criteria provided, single submitter. Criteria: Invitae Variant Classification Sherloc (09022015). Collection method: clinical testing. Allele origin: germline.
Comment: This sequence change affects codon 166 of the ARSA mRNA. It is a 'silent' change, meaning that it does not change the encoded amino acid sequence of the ARSA protein. This variant is present in population databases (rs545521822, ExAC 0.01%). This variant has not been reported in the literature in individuals affected with ARSA-related conditions. Algorithms developed to predict the effect of sequence changes on RNA splicing suggest that this variant may create or strengthen a splice site. In summary, the available evidence is currently insufficient to determine the role of this variant in disease. Therefore, it has been classified as a Variant of Uncertain Significance.